The following is an entry in ClinVar:

ClinVar aggregate classification (germline): Uncertain significance (1 of 4 stars; one submission).

Conditions:
Hypogonadotropic hypogonadism 2 with or without anosmia (HH2). Also called: HYPOGONADOTROPIC HYPOGONADISM 2 WITHOUT ANOSMIA; FGFR1-Related GnRH Deficiency (Kallmann Syndrome 2); HYPOGONADOTROPIC HYPOGONADISM 2 WITH OR WITHOUT ANOSMIA, SUSCEPTIBILITY TO; HYPOGONADOTROPIC HYPOGONADISM 2 WITHOUT ANOSMIA, SUSCEPTIBILITY TO. Identifiers: Orphanet 478, MedGen C1563720, MONDO:0007844, OMIM 147950. Disease mechanism: loss of function.
Pfeiffer syndrome (ACS5). Also called: ACS V. Identifiers: Orphanet 710, MedGen C0220658, MONDO:0007043, OMIM 101600.

Submission:

Labcorp Genetics (formerly Invitae), Labcorp
Classification: Uncertain significance for Pfeiffer syndrome; Hypogonadotropic hypogonadism 2 with or without anosmia. Last evaluated: 2021-12-19. Review status: criteria provided, single submitter. Criteria: Invitae Variant Classification Sherloc (09022015). Collection method: clinical testing. Allele origin: germline.
Comment: In summary, the available evidence is currently insufficient to determine the role of this variant in disease. Therefore, it has been classified as a Variant of Uncertain Significance. Algorithms developed to predict the effect of missense changes on protein structure and function are either unavailable or do not agree on the potential impact of this missense change (SIFT: "Tolerated"; PolyPhen-2: "Probably Damaging"; Align-GVGD: "Class C0"). This variant has not been reported in the literature in individuals affected with FGFR1-related conditions. This variant is not present in population databases (gnomAD no frequency). This sequence change replaces leucine, which is neutral and non-polar, with phenylalanine, which is neutral and non-polar, at codon 98 of the FGFR1 protein (p.Leu98Phe).

NM_023110.3(FGFR1):c.292C>T (p.Leu98Phe)

Gene: FGFR1 (fibroblast growth factor receptor 1; minus strand). Cytogenetic location: 8p11.23.
Variant type: single nucleotide variant.
Coding change: c.292C>T on transcript NM_023110.3 (MANE Select); coding-DNA position 292, C replaced by T.
Protein change: p.Leu98Phe; replaces leucine 98 with phenylalanine.
Molecular consequence: missense variant. On other transcripts: intron variant (5).
Genome position (GRCh38, 1-based): chr8:38,429,748, G>A on the plus strand (C>T on the coding strand, the complement: FGFR1 is on the minus strand). VCF-style: chr8-38429748-G-A. GRCh37 (hg19) VCF-style: chr8-38287266-G-A.
Other names: c.292C>T, p.Leu98Phe (NM_000604.2, NM_001174063.2, NM_001174065.2 and 4 more transcripts); c.268C>T, p.Leu90Phe (NM_001174064.2); c.391C>T, p.Leu131Phe (NM_001174067.2); c.92-1313C>T (NM_001354368.2, NM_001354370.2, NM_023106.3 and 2 more transcripts); short protein forms L90F, L98F, L131F.
Identifiers: ClinVar variation 2048047 (VCV002048047.4), dbSNP rs1203704169, ClinGen allele CA370736264.